The following is an entry in ClinVar:

NC_000023.11:g.(?_37780009)_(37810937_?)del

Gene: CYBB (cytochrome b-245 beta chain; plus strand). Cytogenetic location: Xp11.4.
Variant type: Deletion.
Identifiers: ClinVar variation 832747 (VCV000832747.1).

ClinVar aggregate classification (germline): Pathogenic (1 of 4 stars; one submission).

Conditions:
Granulomatous disease, chronic, X-linked. Also called: CYTOCHROME b-NEGATIVE GRANULOMATOUS DISEASE, CHRONIC, X-LINKED; GRANULOMATOUS DISEASE, CHRONIC, X-LINKED, SOMATIC MOSAIC. Identifiers: Orphanet 379, MedGen C1844376, MONDO:0010600, OMIM 306400.

Submission:

Labcorp Genetics (formerly Invitae), Labcorp
Classification: Pathogenic for Chronic granulomatous disease, X-linked. Last evaluated: 2019-11-13. Review status: criteria provided, single submitter. Criteria: Invitae Variant Classification Sherloc (09022015). Collection method: clinical testing. Allele origin: germline.
Comment: A gross deletion of the genomic region encompassing the full coding sequence of the CYBB gene has been identified. The boundaries of this event are unknown as the deletion extends beyond the assayed region for this gene and therefore may encompass additional genes. Similar gross deletions have been reported in the literature in individuals with CYBB-related disease (PMID: 27701760, 22929960). Loss-of-function variants in CYBB are known to be pathogenic (PMID: 9585602, 20729109). For these reasons, this variant has been classified as Pathogenic.

Literature cited by the submitters: PubMed 22929960; PubMed 27701760.